The following is an entry in ClinVar:

NM_007194.4(CHEK2):c.480A>G (p.Ile160Met)

Gene: CHEK2 (checkpoint kinase 2; minus strand). Cytogenetic location: 22q12.1.
Variant type: single nucleotide variant.
Coding change: c.480A>G on transcript NM_007194.4 (MANE Select); coding-DNA position 480, A replaced by G.
Protein change: p.Ile160Met; replaces isoleucine 160 with methionine.
Molecular consequence: missense variant. On other transcripts: 5 prime UTR variant (2), intron variant (1).
Genome position (GRCh38, 1-based): chr22:28,725,089, T>C on the plus strand (A>G on the coding strand, the complement: CHEK2 is on the minus strand). VCF-style: chr22-28725089-T-C. GRCh37 (hg19) VCF-style: chr22-29121077-T-C.
Other names: p.I160M:ATA>ATG; c.609A>G, p.Ile203Met (NM_001005735.3, NM_001438294.1); c.-298A>G (NM_001257387.3); c.-184A>G (NM_001437942.1); c.573A>G, p.Ile191Met (NM_001438293.1, NM_001438295.1); c.480A>G, p.Ile160Met (NM_145862.3); c.444+154A>G (NM_001349956.3); short protein forms I160M, I203M, I191M.
Identifiers: ClinVar variation 128077 (VCV000128077.75), dbSNP rs575910805, ClinGen allele CA288312.
Genomic context (GRCh38, chr22:28,725,089, plus strand): 5'-GCGTTTTCCTTTCCCTACAAGCTCTGTATTTACAAAGGTTCCATTGCCACTGTGATCTTC[T>C]ATGTATGCAATGTAAGAGTTTTTAGGACCCACTTCCTAAAATAGAGAACATTTTGTTTCA-3'
Protein context (NP_009125.1, residues 150-170): VGPKNSYIAY[Ile160Met]EDHSGNGTFV

ClinVar aggregate classification (germline): Conflicting classifications of pathogenicity. Review status: criteria provided, conflicting classifications (1 of 4 stars). 23 submissions from 23 submitters: Uncertain significance (15); Likely benign (2). 6 of the submissions do not count toward it. Last evaluated 2026-09-18.

Conditions:
CHEK2-related disorder.
Breast and/or ovarian cancer. Identifiers: MedGen CN221562.
Hereditary cancer-predisposing syndrome. Also called: Tumor predisposition; Hereditary neoplastic syndrome; Neoplastic Syndromes, Hereditary; Hereditary Cancer Syndrome. Identifiers: Orphanet 140162, MedGen C0027672, MeSH D009386, MONDO:0015356.
CHEK2-related cancer predisposition (TPDS4). Also called: TUMOR PREDISPOSITION SYNDROME 4; CANCER PREDISPOSITION SYNDROME, CHEK2-RELATED; CHEK2-related cancer susceptibility. Identifiers: Orphanet 524, MedGen C5882668, MONDO:0700271, OMIM 609265.
Familial cancer of breast. Also called: Hereditary breast cancer; hereditary breast carcinoma; BREAST CANCER, FAMILIAL. Identifiers: Orphanet 227535, MedGen C0346153, MONDO:0016419, OMIM 114480. Disease mechanism: loss of function.

Allele frequency attached by ClinVar (database versions not stated): gnomAD 0.00002 and 0.00003; TOPMed 0.00002; gnomAD exomes 0.00007 and 0.00012; ExAC 0.00016; 1000 Genomes Project 30x 0.00031; 1000 Genomes Project 0.00040.
gnomAD v4.1: 103 of 1,614,166 alleles (0.0064%); highest among the groups gnomAD compares: South Asian, 0.069%; no homozygotes.

Submissions 1 to 8 of 23:

PreventionGenetics, part of Exact Sciences
Classification: Uncertain significance for CHEK2-related condition. Last evaluated: 2026-09-18. Review status: criteria provided, single submitter. Criteria: ACMG Guidelines, 2015. Collection method: clinical testing. Allele origin: germline.
Comment: The CHEK2 c.480A>G variant is predicted to result in the amino acid substitution p.Ile160Met. This variant has been reported in individuals with breast and/or ovarian cancer with conflicting interpretations of likely benign and uncertain (Dufault et al. 2004. PubMed ID: 15095295; Mohamad et al. 2015. PubMed ID: 25629968; Maxwell et al. 2016. PubMed ID: 27153395, Table S5; Girard et al. 2018. PubMed ID: 30303537, Table S3; Tsai et al. 2018. PubMed ID: 30374176; Tsaousis et al. 2019. PubMed ID: 31159747, Table S5; da Costa et al. 2020. PubMed ID: 32039725). It has been reported in at least one control individual in a cohort study (Mohamad et al. 2015. PubMed ID: 25629968). Experimental studies in yeast are conflicting regarding the impact of this variant on CHEK2 function (Roeb et al. 2012. PubMed ID: 22419737; Delimitsou et al. 2019. PubMed ID: 30851065). It is reported in 0.078% of alleles in individuals of South Asian descent in gnomAD and is interpreted as uncertain and likely benign in ClinVar (Variation ID: 128077). At this time, the clinical significance of this variant is uncertain due to the absence of conclusive functional and genetic evidence.

Labcorp Genetics (formerly Invitae), Labcorp
Classification: Likely benign for Familial cancer of breast. Last evaluated: 2026-01-26. Review status: criteria provided, single submitter. Criteria: Invitae Variant Classification Sherloc (09022015). Collection method: clinical testing. Allele origin: germline.

Center for Genomic Medicine, Rigshospitalet, Copenhagen University Hospital
Classification: Uncertain significance. Last evaluated: 2025-03-04. Review status: criteria provided, single submitter. Criteria: ACMG Guidelines, 2015. Collection method: clinical testing. Allele origin: germline.

CeGaT Center for Human Genetics Tuebingen
Classification: Uncertain significance. Last evaluated: 2025-03-01. Review status: criteria provided, single submitter. Criteria: CeGaT Center For Human Genetics Tuebingen Variant Classification Criteria Version 2. Collection method: clinical testing. Allele origin: germline. Affected: yes. Observed: 2 variant alleles.

KCCC/NGS Laboratory, Kuwait Cancer Control Center
Classification: Uncertain significance for CHEK2-related cancer predisposition. Last evaluated: 2025-01-06. Review status: criteria provided, single submitter. Criteria: ACMG Guidelines, 2015. Collection method: clinical testing. Allele origin: germline. Inheritance: Autosomal dominant inheritance. Affected: yes. Observed: 1 heterozygote.
Comment: This missense variant replaces isoleucine with methionine at codon 160 of the CHEK2 protein. Not observed at significant frequency in large population cohorts (gnomAD) . This variant has been reported in individuals affected with breast and/or ovarian cancer ( PMID: 22419737, 15095295, 25629968, 28553140, 30303537, 32546565, 27153395, 30851065, 31159747, 31296309, 30374176, 32039725, 32900738, 33558524, 32658311, 33471991, 35127508, 28779002, 35772246, 36468172, 25186627, 19782031, 36011273) . In silico analysis supports that this missense variant does not alter protein structure/function . In summary, this is a variant of unknown impact on function that has been observed in affected individuals as well as in the general population. The available evidence is insufficient to determine the role of this variant in disease conclusively. Therefore, this variant is classified as a Variant of Uncertain Significance.

Color Diagnostics, LLC DBA Color Health
Classification: Uncertain significance for Hereditary cancer-predisposing syndrome. Last evaluated: 2024-08-12. Review status: criteria provided, single submitter. Criteria: ACMG Guidelines, 2015. Collection method: clinical testing. Allele origin: germline.
Comment: This missense variant replaces isoleucine with methionine at codon 160 of the CHEK2 protein. Computational prediction suggests that this variant may have deleterious impact on protein structure and function. Functional studies showed the variant has intermediate to wild-type ability to complement yeast rad53 mutant (PMID:22419737, 30851065). This variant has been reported in individuals affected with breast and/or ovarian cancer (PMID: 15095295, 22419737, 25629968, 27153395, 32039725, 33558524, 35127508, 36011273). This variant has been identified in 31/282820 chromosomes (24/30612 South Asian chromosomes) in the general population by the Genome Aggregation Database (gnomAD). In a large breast cancer case-control study, this variant has been observed in 7/60466 cases, 4/53461 unaffected controls (OR=1.547; 95%CI 0.453 to 5.286; p-value=0.557; Leiden Open Variation Database DB-ID CHEK2_000203 (PMID: 33471991). In summary, this is a variant of unknown impact on function that has been observed in affected individuals as well as in the general population. The available evidence is insufficient to determine the role of this variant in disease conclusively. Therefore, this variant is classified as a Variant of Uncertain Significance.

Blueprint Genetics
Classification: Uncertain significance. Last evaluated: 2024-03-14. Review status: criteria provided, single submitter. Criteria: ACMG Guidelines, 2015. Collection method: clinical testing. Allele origin: germline.

Women's Health and Genetics/Laboratory Corporation of America, LabCorp
Classification: Uncertain significance. Last evaluated: 2023-12-28. Review status: criteria provided, single submitter. Criteria: LabCorp Variant Classification Summary - May 2015. Collection method: clinical testing. Allele origin: germline.
Comment: Variant summary: CHEK2 c.480A>G (p.Ile160Met) results in a conservative amino acid change located in the Forkhead-associated (FHA) domain (IPR000253) of the encoded protein sequence. Four of five in-silico tools predict a damaging effect of the variant on protein function. The variant allele was found at a frequency of 0.00012 in 252594 control chromosomes, predominantly at a frequency of 0.00078 within the South Asian subpopulation in the gnomAD database. The observed variant frequency within South Asian control individuals in the gnomAD database is approximately 2.5 fold of the estimated maximal expected allele frequency for a pathogenic variant in CHEK2 causing Hereditary Breast And Ovarian Cancer Syndrome phenotype (0.00031), however this data must be interpreted with caution as the sequencing techology utalized does not distinguish between CHEK2 and highly homologous pseudogenes.. c.480A>G has been reported in the literature in individuals affected with Hereditary Breast And Ovarian Cancer Syndrome (e.g. Dufault_2004, Roeb_2012, Mohamad_2015, Tung_2015, Maxwell_2016, Delimitsou_2019, Girard_2019, Tsai_2019, Carvalho_2020, Akcay_2021, Dorling_2021, Moradian_2021, Andrikopoulou_2022, Zografos_2022) but it was also reported in controls (e.g. Mohamad_2015, Dorling_2021). Co-occurrences with a likely pathogenic variant were reported in two of these studies (CHEK2 c.499G>A, p.Gly167Arg; Roeb_2012, Tung_2015). These reports do not provide unequivocal conclusions about association of the variant with Hereditary Breast And Ovarian Cancer Syndrome. Experimental evidence evaluating an impact on protein function demonstrated the variant has a partial DNA damage response through usage of an in vivo yeast-based assay (Roeb_2012). However, a more recent study also utilizing an in vivo yeast-based assay, concluded the variant to be benign/functional (Delimitsou_2019). The following publications have been ascertained in the context of this evaluation (PMID: 22419737, 25186627, 15095295, 25629968, 27153395, 30851065, 30374176, 30303537, 31159747, 32039725, 32658311, 33471991, 33558524, 35127508, 36011273). Multiple clinical diagnostic laboratories have submitted clinical-significance assessments for this variant to ClinVar after 2014 without evidence for independent evaluation and classified as VUS (n=12) and likely benign (n=2). Based on the evidence outlined above, the variant was classified as VUS-possibly benign.